The following is an entry in ClinVar:

NM_001903.5(CTNNA1):c.2310G>A (p.Ser770=)

Gene: CTNNA1 (catenin alpha 1; plus strand). Cytogenetic location: 5q31.2.
Variant type: single nucleotide variant.
Coding change: c.2310G>A on transcript NM_001903.5 (MANE Select); coding-DNA position 2310, G replaced by A.
Protein change: p.Ser770=; no amino-acid change (serine 770 retained).
Molecular consequence: synonymous variant. On other transcripts: intron variant (1).
Genome position (GRCh38, 1-based): chr5:138,932,589, G>A. VCF-style: chr5-138932589-G-A. GRCh37 (hg19) VCF-style: chr5-138268278-G-A.
Other names: c.2310G>A, p.Ser770= (NM_001290307.3, NM_001323982.2, NM_001323983.1 and 2 more transcripts); c.2001G>A, p.Ser667= (NM_001290309.3); c.1941G>A, p.Ser647= (NM_001290310.3); c.1200G>A, p.Ser400= (NM_001290312.1, NM_001323987.1, NM_001323988.1 and 16 more transcripts); c.2217G>A, p.Ser739= (NM_001323986.2); c.861G>A, p.Ser287= (NM_001324006.1, NM_001324007.1, NM_001324008.1 and 2 more transcripts); c.1107G>A, p.Ser369= (NM_001324011.1); c.957G>A, p.Ser319= (NM_001324012.1, NM_001324013.1); and 1 more.
Identifiers: ClinVar variation 409000 (VCV000409000.14), dbSNP rs147636961, ClinGen allele CA3432169.
Genomic context (GRCh38, chr5:138,932,589, plus strand): 5'-TGCTTGGGCCAGGCCAGGATACTTGGTGTTAAGCCTGCTCTCTCTTCAGTGCCCCGACTC[G>A]GCTTGCAAGCAGGACCTGCTGGCCTACCTGCAACGCATCGCCCTCTACTGCCACCAGCTG-3'
Protein context (NP_001894.2, residues 760-780): GRTIADHCPD[Ser770=]ACKQDLLAYL

ClinVar aggregate classification (germline): Benign/Likely benign. Review status: criteria provided, multiple submitters, no conflicts (2 of 4 stars). 3 submissions from 3 submitters: Benign (1); Likely benign (2). Last evaluated 2025-09-14.

Conditions:
Hereditary diffuse gastric adenocarcinoma (HDGC). Also called: DIFFUSE GASTRIC AND LOBULAR BREAST CANCER SYNDROME. Identifiers: Orphanet 26106, MedGen C1708349, MONDO:0007648, OMIM 137215.
Hereditary cancer-predisposing syndrome. Also called: Hereditary neoplastic syndrome; Neoplastic Syndromes, Hereditary; Tumor predisposition; Hereditary Cancer Syndrome. Identifiers: Orphanet 140162, MedGen C0027672, MeSH D009386, MONDO:0015356.

Allele frequency attached by ClinVar (database versions not stated): ExAC 0.00001; gnomAD exomes 0.00002; TOPMed 0.00003; gnomAD 0.00005; ESP Exome Variant Server 0.00008.
gnomAD v4.1: 20 of 1,614,108 alleles (0.0012%); highest among the groups gnomAD compares: African/African-American, 0.0093%; no homozygotes.

Submissions (3):

Labcorp Genetics (formerly Invitae), Labcorp
Classification: Likely benign. Last evaluated: 2025-09-14. Review status: criteria provided, single submitter. Criteria: Invitae Variant Classification Sherloc (09022015). Collection method: clinical testing. Allele origin: germline.

Myriad Genetics, Inc.
Classification: Benign for Hereditary diffuse gastric adenocarcinoma. Last evaluated: 2024-10-15. Review status: criteria provided, single submitter. Criteria: Myriad Autosomal Dominant, Autosomal Recessive and X-Linked Classification Criteria (2023). Collection method: clinical testing. Allele origin: unknown.
Comment: This variant is considered benign. This variant is a silent/synonymous amino acid change and it is not expected to impact splicing.

Ambry Genetics
Classification: Likely benign for Hereditary cancer-predisposing syndrome. Last evaluated: 2019-06-14. Review status: criteria provided, single submitter. Criteria: Ambry Variant Classification Scheme 2023. Collection method: clinical testing. Allele origin: germline.